The following is an entry in ClinVar:

NM_000465.4(BARD1):c.2144A>G (p.Gln715Arg)

Gene: BARD1 (BRCA1 associated RING domain 1; minus strand). Cytogenetic location: 2q35.
Variant type: single nucleotide variant.
Coding change: c.2144A>G on transcript NM_000465.4 (MANE Select); coding-DNA position 2144, A replaced by G.
Protein change: p.Gln715Arg; replaces glutamine 715 with arginine.
Molecular consequence: missense variant. On other transcripts: non-coding transcript variant (3).
Genome position (GRCh38, 1-based): chr2:214,728,866, T>C on the plus strand (A>G on the coding strand, the complement: BARD1 is on the minus strand). VCF-style: chr2-214728866-T-C. GRCh37 (hg19) VCF-style: chr2-215593590-T-C.
Other names: c.2087A>G, p.Gln696Arg (NM_001282543.2); c.791A>G, p.Gln264Arg (NM_001282545.2); c.734A>G, p.Gln245Arg (NM_001282548.2); c.605A>G, p.Gln202Arg (NM_001282549.2); short protein forms Q245R, Q696R, Q202R, Q264R, Q715R.
Identifiers: ClinVar variation 2016404 (VCV002016404.4), dbSNP rs765890845, ClinGen allele CA350450491.

ClinVar aggregate classification (germline): Uncertain significance (1 of 4 stars; one submission).

Conditions:
Familial cancer of breast. Also called: Hereditary breast cancer; BREAST CANCER, FAMILIAL; hereditary breast carcinoma. Identifiers: Orphanet 227535, MedGen C0346153, MONDO:0016419, OMIM 114480. Disease mechanism: loss of function.

Submission:

Labcorp Genetics (formerly Invitae), Labcorp
Classification: Uncertain significance for Familial cancer of breast. Last evaluated: 2022-07-13. Review status: criteria provided, single submitter. Criteria: Invitae Variant Classification Sherloc (09022015). Collection method: clinical testing. Allele origin: germline.
Comment: Experimental studies have shown that this missense change affects BARD1 function (PMID: 34102105, 34321665). In summary, the available evidence is currently insufficient to determine the role of this variant in disease. Therefore, it has been classified as a Variant of Uncertain Significance. Algorithms developed to predict the effect of missense changes on protein structure and function (SIFT, PolyPhen-2, Align-GVGD) all suggest that this variant is likely to be disruptive. This variant has not been reported in the literature in individuals affected with BARD1-related conditions. This variant is not present in population databases (gnomAD no frequency). This sequence change replaces glutamine, which is neutral and polar, with arginine, which is basic and polar, at codon 715 of the BARD1 protein (p.Gln715Arg).

Literature cited by the submitters: PubMed 34102105; PubMed 34321665.